The following is an entry in ClinVar:

ClinVar aggregate classification (germline): Uncertain significance (1 of 4 stars; one submission).

Conditions:
Inborn genetic diseases. Identifiers: MedGen C0950123, MeSH D030342.

Submission:

Ambry Genetics
Classification: Uncertain significance for Inborn genetic diseases. Last evaluated: 2025-01-27. Review status: criteria provided, single submitter. Criteria: Ambry Variant Classification Scheme 2023. Collection method: clinical testing. Allele origin: germline.
Comment: The p.L543F variant (also known as c.1627C>T), located in coding exon 11 of the MIB1 gene, results from a C to T substitution at nucleotide position 1627. The leucine at codon 543 is replaced by phenylalanine, an amino acid with highly similar properties. This amino acid position is conserved. In addition, the in silico prediction for this alteration is inconclusive. Based on the available evidence, the clinical significance of this variant remains unclear.

NM_020774.4(MIB1):c.1627C>T (p.Leu543Phe)

Gene: MIB1 (MIB E3 ubiquitin protein ligase 1; plus strand). Cytogenetic location: 18q11.2.
Variant type: single nucleotide variant.
Coding change: c.1627C>T on transcript NM_020774.4 (MANE Select); coding-DNA position 1627, C replaced by T.
Protein change: p.Leu543Phe; replaces leucine 543 with phenylalanine.
Molecular consequence: missense variant.
Genome position (GRCh38, 1-based): chr18:21,815,763, C>T. VCF-style: chr18-21815763-C-T. GRCh37 (hg19) VCF-style: chr18-19395724-C-T.
Other names: short protein forms L543F.
Identifiers: ClinVar variation 3872831 (VCV003872831.1).
Genomic context (GRCh38, chr18:21,815,763, plus strand): 5'-TTGAATGCTCGAAACAAGCGCCGACAGACACCACTTCATATTGCTGTCAATAAAGGTCAT[C>T]TTCAAGTTGTGAAGACTTTATTGGACTTTGGCTGTCATCCCAGTCTCCAGGTAAAACCTT-3'
Protein context (NP_065825.1, residues 533-553): PLHIAVNKGH[Leu543Phe]QVVKTLLDFG